The following is an entry in ClinVar:

ClinVar aggregate classification (germline): Uncertain significance. Review status: criteria provided, multiple submitters, no conflicts (2 of 4 stars). 2 submissions from 2 submitters: Uncertain significance (2). Last evaluated 2024-08-01.

Conditions:
Hereditary cancer-predisposing syndrome. Also called: Hereditary neoplastic syndrome; Neoplastic Syndromes, Hereditary; Tumor predisposition; Hereditary Cancer Syndrome. Identifiers: Orphanet 140162, MedGen C0027672, MeSH D009386, MONDO:0015356.

Submissions (2):

Labcorp Genetics (formerly Invitae), Labcorp
Classification: Uncertain significance. Last evaluated: 2024-08-01. Review status: criteria provided, single submitter. Criteria: Invitae Variant Classification Sherloc (09022015). Collection method: clinical testing. Allele origin: germline.
Comment: This sequence change replaces alanine, which is neutral and non-polar, with glycine, which is neutral and non-polar, at codon 420 of the CTNNA1 protein (p.Ala420Gly). This variant is not present in population databases (gnomAD no frequency). This variant has not been reported in the literature in individuals affected with CTNNA1-related conditions. ClinVar contains an entry for this variant (Variation ID: 942218). Advanced modeling of protein sequence and biophysical properties (such as structural, functional, and spatial information, amino acid conservation, physicochemical variation, residue mobility, and thermodynamic stability) performed at Invitae indicates that this missense variant is not expected to disrupt CTNNA1 protein function with a negative predictive value of 80%. In summary, the available evidence is currently insufficient to determine the role of this variant in disease. Therefore, it has been classified as a Variant of Uncertain Significance.

Ambry Genetics
Classification: Uncertain significance for Hereditary cancer-predisposing syndrome. Last evaluated: 2024-07-16. Review status: criteria provided, single submitter. Criteria: Ambry Variant Classification Scheme 2023. Collection method: clinical testing. Allele origin: germline.
Comment: The p.A420G variant (also known as c.1259C>G), located in coding exon 8 of the CTNNA1 gene, results from a C to G substitution at nucleotide position 1259. The alanine at codon 420 is replaced by glycine, an amino acid with similar properties. This amino acid position is conserved. In addition, the in silico prediction for this alteration is inconclusive. The evidence for this gene-disease relationship is limited; therefore, the clinical significance of this alteration is unclear.

NM_001903.5(CTNNA1):c.1259C>G (p.Ala420Gly)

Gene: CTNNA1 (catenin alpha 1; plus strand). Cytogenetic location: 5q31.2.
Variant type: single nucleotide variant.
Coding change: c.1259C>G on transcript NM_001903.5 (MANE Select); coding-DNA position 1259, C replaced by G.
Protein change: p.Ala420Gly; replaces alanine 420 with glycine.
Molecular consequence: missense variant. On other transcripts: 5 prime UTR variant (5), intron variant (2).
Genome position (GRCh38, 1-based): chr5:138,887,605, C>G. VCF-style: chr5-138887605-C-G. GRCh37 (hg19) VCF-style: chr5-138223294-C-G.
Other names: c.1259C>G, p.Ala420Gly (NM_001290307.3, NM_001323982.2, NM_001323983.1 and 3 more transcripts); c.950C>G, p.Ala317Gly (NM_001290309.3); c.890C>G, p.Ala297Gly (NM_001290310.3); c.149C>G, p.Ala50Gly (NM_001290312.1, NM_001323987.1, NM_001323988.1 and 18 more transcripts); c.-249C>G (NM_001324006.1, NM_001324007.1, NM_001324008.1 and 1 more transcripts); c.-124C>G (NM_001324013.1); c.-58+12008C>G (NM_001324012.1); c.-61+12008C>G (NM_001324010.1); short protein forms A297G, A317G, A420G, A50G.
Identifiers: ClinVar variation 942218 (VCV000942218.13), dbSNP rs1754354782, ClinGen allele CA361133193.
Genomic context (GRCh38, chr5:138,887,605, plus strand): 5'-CACTTTTGGTATTGATTGAAGCTGCAAAGAATGGAAATGAGAAAGAAGTTAAGGAGTATG[C>G]CCAAGTTTTCCGTGAACATGCCAACAAATTGATTGAGGTAAGTGAATTAGCAGTTTCATT-3'
Protein context (NP_001894.2, residues 410-430): NGNEKEVKEY[Ala420Gly]QVFREHANKL